The following is an entry in ClinVar:

ClinVar aggregate classification (germline): Likely pathogenic (1 of 4 stars; one submission).

Conditions:
Cardiovascular phenotype. Identifiers: MedGen CN230736.

Submission:

Ambry Genetics
Classification: Likely pathogenic for Cardiovascular phenotype. Last evaluated: 2024-01-26. Review status: criteria provided, single submitter. Criteria: Ambry Variant Classification Scheme 2023. Collection method: clinical testing. Allele origin: germline.
Comment: The c.25323delT variant, located in coding exon 102 of the TTN gene, results from a deletion of one nucleotide at nucleotide position 25323, causing a translational frameshift with a predicted alternate stop codon (p.E8442Kfs*18). This exon is located in the A-band region of the N2-B isoform of the titin protein and is constitutively expressed in TTN transcripts (percent spliced in or PSI 100%). This variant is considered to be rare based on population cohorts in the Genome Aggregation Database (gnomAD). This alteration is expected to result in loss of function by premature protein truncation or nonsense-mediated mRNA decay. While truncating variants in TTN are present in 1-3% of the general population, truncating variants in the A-band are the most common cause of dilated cardiomyopathy (DCM) (Herman DS et al. N. Engl. J. Med., 2012 Feb;366:619-28; Roberts AM et al. Sci Transl Med, 2015 Jan;7:270ra6). TTN truncating variants encoded in constitutive exons (PSI >90%) have been found to be significantly associated with DCM regardless of their position in titin (Schafer S et al. Nat. Genet., 2017 01;49:46-53). Based on the majority of available evidence to date, this variant is likely to be pathogenic.

NM_001267550.2(TTN):c.52518del (p.Glu17507fs)

Genes: TTN (titin; minus strand), TTN-AS1 (TTN antisense RNA 1; plus strand), LOC126806425 (BRD4-independent group 4 enhancer GRCh37_chr2:179471933-179473132; plus strand). Cytogenetic location: 2q31.2.
Variant type: Deletion.
Coding change: c.52518del on transcript NM_001267550.2 (MANE Select); coding-DNA position 52518, one base deleted (T; older notation c.52518delT).
Protein change: p.Glu17507fs; shifts the reading frame from glutamic acid 17507.
Molecular consequence: frameshift variant.
Genome position (GRCh38, 1-based): chr2:178,608,365, A deleted on the plus strand (T on the coding strand, the reverse complement: TTN is on the minus strand); the first of 2 consecutive A bases (chr2:178,608,365-178,608,366); deleting either gives the same sequence. VCF-style (leftmost placement, unchanged base first): chr2-178608364-CA-C. GRCh37 (hg19) VCF-style: chr2-179473091-CA-C.
Other names: c.47595del, p.Glu15866fs (NM_001256850.1); c.25323del, p.Glu8442fs (NM_003319.4); c.44814del, p.Glu14939fs (NM_133378.4); c.25698del, p.Glu8567fs (NM_133432.3); c.25899del, p.Glu8634fs (NM_133437.4); c.25323delT (NM_003319.4); short protein forms E14939fs, E15866fs, E17507fs, E8442fs, E8567fs, E8634fs.
Identifiers: ClinVar variation 3223227 (VCV003223227.1), dbSNP rs753584634, ClinGen allele CA2825001034.